The following is an entry in ClinVar:

NM_130849.4(SLC39A4):c.1396del (p.His466fs)

Gene: SLC39A4 (solute carrier family 39 member 4; minus strand). Cytogenetic location: 8q24.3.
Variant type: Deletion.
Coding change: c.1396del on transcript NM_130849.4 (MANE Select); coding-DNA position 1396, one base deleted (C; older notation c.1396delC).
Protein change: p.His466fs; shifts the reading frame from histidine 466.
Molecular consequence: frameshift variant.
Genome position (GRCh38, 1-based): chr8:144,413,773, G deleted on the plus strand (C on the coding strand, the reverse complement: SLC39A4 is on the minus strand); the first of 7 consecutive G bases (chr8:144,413,773-144,413,779); deleting any one gives the same sequence. VCF-style (leftmost placement, unchanged base first): chr8-144413772-TG-T. GRCh37 (hg19) VCF-style: chr8-145639156-TG-T.
Other names: c.1114del, p.His372fs (NM_001374839.1); c.1321del, p.His441fs (NM_017767.3); short protein forms H441fs, H466fs, H372fs.
Identifiers: ClinVar variation 1407940 (VCV001407940.6), dbSNP rs782002895, ClinGen allele CA4941246.

ClinVar aggregate classification (germline): Pathogenic (1 of 4 stars; one submission).

Submission:

Labcorp Genetics (formerly Invitae), Labcorp
Classification: Pathogenic. Last evaluated: 2023-09-04. Review status: criteria provided, single submitter. Criteria: Invitae Variant Classification Sherloc (09022015). Collection method: clinical testing. Allele origin: germline.
Comment: This sequence change creates a premature translational stop signal (p.His466Thrfs*17) in the SLC39A4 gene. It is expected to result in an absent or disrupted protein product. Loss-of-function variants in SLC39A4 are known to be pathogenic (PMID: 12955721). This variant is present in population databases (rs782002895, gnomAD 0.1%). This variant has not been reported in the literature in individuals affected with SLC39A4-related conditions. ClinVar contains an entry for this variant (Variation ID: 1407940). For these reasons, this variant has been classified as Pathogenic.

Literature cited by the submitters: PubMed 12955721.